The following is an entry in ClinVar:

ClinVar aggregate classification (germline): Uncertain significance (1 of 4 stars; one submission).

Allele frequency attached by ClinVar (database versions not stated): ExAC 0.00001; gnomAD 0.00001 and 0.00002; gnomAD exomes 0.00001; TOPMed 0.00002.
gnomAD v4.1: 12 of 1,613,772 alleles (0.00074%); highest among the groups gnomAD compares: South Asian, 0.0022%; no homozygotes.

Submission:

Labcorp Genetics (formerly Invitae), Labcorp
Classification: Uncertain significance. Last evaluated: 2023-06-05. Review status: criteria provided, single submitter. Criteria: Invitae Variant Classification Sherloc (09022015). Collection method: clinical testing. Allele origin: germline.
Comment: This variant is present in population databases (rs763448205, gnomAD 0.01%). This sequence change replaces aspartic acid, which is acidic and polar, with asparagine, which is neutral and polar, at codon 485 of the SLC9A3 protein (p.Asp485Asn). In summary, the available evidence is currently insufficient to determine the role of this variant in disease. Therefore, it has been classified as a Variant of Uncertain Significance. Advanced modeling of protein sequence and biophysical properties (such as structural, functional, and spatial information, amino acid conservation, physicochemical variation, residue mobility, and thermodynamic stability) performed at Invitae indicates that this missense variant is not expected to disrupt SLC9A3 protein function. ClinVar contains an entry for this variant (Variation ID: 1346354). This variant has not been reported in the literature in individuals affected with SLC9A3-related conditions.

NM_004174.4(SLC9A3):c.1453G>A (p.Asp485Asn)

Gene: SLC9A3 (solute carrier family 9 member A3). Cytogenetic location: 5p15.33.
Variant type: single nucleotide variant.
Coding change: c.1453G>A on transcript NM_004174.4 (MANE Select); coding-DNA position 1453, G replaced by A.
Protein change: p.Asp485Asn; replaces aspartic acid 485 with asparagine.
Molecular consequence: missense variant.
Genome position (GRCh38, 1-based): chr5:481,629, C>T on the plus strand (G>A on the coding strand, the complement: SLC9A3 is on the minus strand). VCF-style: chr5-481629-C-T. GRCh37 (hg19) VCF-style: chr5-481744-C-T.
Other names: c.1426G>A, p.Asp476Asn (NM_001284351.3); short protein forms D476N, D485N.
Identifiers: ClinVar variation 1346354 (VCV001346354.5), dbSNP rs763448205, ClinGen allele CA3175874.